The following is an entry in ClinVar:

NM_004999.4(MYO6):c.3506G>T (p.Arg1169Leu)

Gene: MYO6 (myosin VI; plus strand). Cytogenetic location: 6q14.1.
Variant type: single nucleotide variant.
Coding change: c.3506G>T on transcript NM_004999.4 (MANE Select); coding-DNA position 3506, G replaced by T.
Protein change: p.Arg1169Leu; replaces arginine 1169 with leucine.
Molecular consequence: missense variant. On other transcripts: non-coding transcript variant (1).
Genome position (GRCh38, 1-based): chr6:75,914,129, G>T. VCF-style: chr6-75914129-G-T. GRCh37 (hg19) VCF-style: chr6-76623846-G-T.
Other names: c.3437G>T, p.Arg1146Leu (NM_001300899.2); c.3410G>T, p.Arg1137Leu (NM_001368136.1); c.3467G>T, p.Arg1156Leu (NM_001368137.1); c.3422G>T, p.Arg1141Leu (NM_001368138.1); c.3533G>T, p.Arg1178Leu (NM_001368865.1); c.3506G>T, p.Arg1169Leu (NM_001368866.1); short protein forms R1137L, R1141L, R1146L, R1156L, R1169L, R1178L.
Identifiers: ClinVar variation 2629122 (VCV002629122.2), dbSNP rs763284731, ClinGen allele CA364761474.

ClinVar aggregate classification (germline): Uncertain significance. Review status: criteria provided, multiple submitters, no conflicts (2 of 4 stars). 2 submissions from 2 submitters: Uncertain significance (2). Last evaluated 2024-03-06.

Conditions:
MYO6-related disorder. Also called: MYO6-related condition; MYO6-related disorders.

Submissions (2):

Blueprint Genetics
Classification: Uncertain significance. Last evaluated: 2024-03-06. Review status: criteria provided, single submitter. Criteria: ACMG Guidelines, 2015. Collection method: clinical testing. Allele origin: germline.

PreventionGenetics, part of Exact Sciences
Classification: Uncertain significance for MYO6-related condition. Last evaluated: 2022-12-01. Review status: criteria provided, single submitter. Criteria: ACMG Guidelines, 2015. Collection method: clinical testing. Allele origin: germline.
Comment: The MYO6 c.3506G>T variant is predicted to result in the amino acid substitution p.Arg1169Leu. To our knowledge, this variant has not been reported in the literature or in a large population database, indicating this variant is rare. At this time, the clinical significance of this variant is uncertain due to the absence of conclusive functional and genetic evidence.